The following is an entry in ClinVar:

ClinVar aggregate classification (germline): Pathogenic (1 of 4 stars; one submission).

Conditions:
6-Pyruvoyl-tetrahydrobiopterin synthase deficiency. Also called: 6-Pyruvoyltetrahydropterin Synthase Deficiency; HYPERPHENYLALANINEMIA, TETRAHYDROBIOPTERIN-DEFICIENT, DUE TO PTS DEFICIENCY; Hyperphenylalanemia, BH4-deficient, A; Hyperphenylalaninemia due to 6-pyruvoyl-tetrahydropterin synthase deficiency; PTS-Related Tetrahydrobiopterin Deficiency; PTS DEFICIENCY. Identifiers: Orphanet 13, Orphanet 238583, MedGen C0878676, MONDO:0009863, OMIM 261640.

Submission:

Labcorp Genetics (formerly Invitae), Labcorp
Classification: Pathogenic for 6-Pyruvoyl-tetrahydrobiopterin synthase deficiency. Last evaluated: 2024-01-25. Review status: criteria provided, single submitter. Criteria: Invitae Variant Classification Sherloc (09022015). Collection method: clinical testing. Allele origin: germline.
Comment: This sequence change affects an acceptor splice site in intron 3 of the PTS gene. It is expected to disrupt RNA splicing. Variants that disrupt the donor or acceptor splice site typically lead to a loss of protein function (PMID: 16199547), and loss-of-function variants in PTS are known to be pathogenic (PMID: 3297709, 16917893). This variant is not present in population databases (gnomAD no frequency). Disruption of this splice site has been observed in individual(s) with 6-pyruvoyltetrahydropterin synthase deficiency (PMID: 28057123). In at least one individual the data is consistent with being in trans (on the opposite chromosome) from a pathogenic variant. Algorithms developed to predict the effect of sequence changes on RNA splicing suggest that this variant may disrupt the consensus splice site. For these reasons, this variant has been classified as Pathogenic.

Literature cited by the submitters: PubMed 16199547; PubMed 3297709; PubMed 16917893; PubMed 28057123.

NM_000317.3(PTS):c.187-2A>T

Gene: PTS (6-pyruvoyltetrahydropterin synthase; plus strand). Cytogenetic location: 11q23.1.
Variant type: single nucleotide variant.
Coding change: c.187-2A>T on transcript NM_000317.3 (MANE Select); the canonical splice acceptor site of the intron before coding-DNA position 187, A replaced by T.
Molecular consequence: splice acceptor variant.
Genome position (GRCh38, 1-based): chr11:112,230,624, A>T. VCF-style: chr11-112230624-A-T. GRCh37 (hg19) VCF-style: chr11-112101347-A-T.
Identifiers: ClinVar variation 3685851 (VCV003685851.2).